The following is an entry in ClinVar:

ClinVar aggregate classification (germline): Uncertain significance (1 of 4 stars; one submission).

Conditions:
POLD1-related polyposis and colorectal cancer syndrome (CRCS10). Also called: Colorectal cancer 10; COLORECTAL CANCER, SUSCEPTIBILITY TO, ON CHROMOSOME 19q; Colorectal cancer, susceptibility to, 10. Identifiers: Orphanet 220460, MedGen C2675481, MONDO:0012953, OMIM 612591.

Allele frequency attached by ClinVar (database versions not stated): gnomAD exomes below 0.00001.
gnomAD v4.1: 1 of 1,604,824 alleles (0.000062%); highest among the groups gnomAD compares: Non-Finnish European, 0.000085%; no homozygotes.

Submission:

Labcorp Genetics (formerly Invitae), Labcorp
Classification: Uncertain significance for POLD1-related polyposis and colorectal cancer syndrome. Last evaluated: 2019-10-17. Review status: criteria provided, single submitter. Criteria: Invitae Variant Classification Sherloc (09022015). Collection method: clinical testing. Allele origin: germline.
Comment: This variant is not present in population databases (ExAC no frequency). This variant has not been reported in the literature in individuals with POLD1-related conditions. Algorithms developed to predict the effect of missense changes on protein structure and function are either unavailable or do not agree on the potential impact of this missense change (SIFT: "Tolerated"; PolyPhen-2: "Possibly Damaging"; Align-GVGD: "Class C0"). In summary, the available evidence is currently insufficient to determine the role of this variant in disease. Therefore, it has been classified as a Variant of Uncertain Significance. This sequence change replaces leucine with phenylalanine at codon 813 of the POLD1 protein (p.Leu813Phe). The leucine residue is weakly conserved and there is a small physicochemical difference between leucine and phenylalanine.

NM_002691.4(POLD1):c.2437C>T (p.Leu813Phe)

Gene: POLD1 (DNA polymerase delta 1, catalytic subunit; plus strand). Cytogenetic location: 19q13.33.
Variant type: single nucleotide variant.
Coding change: c.2437C>T on transcript NM_002691.4 (MANE Select); coding-DNA position 2437, C replaced by T.
Protein change: p.Leu813Phe; replaces leucine 813 with phenylalanine.
Molecular consequence: missense variant. On other transcripts: non-coding transcript variant (1).
Genome position (GRCh38, 1-based): chr19:50,414,863, C>T. VCF-style: chr19-50414863-C-T. GRCh37 (hg19) VCF-style: chr19-50918120-C-T.
Other names: c.2437C>T, p.Leu813Phe (NM_001256849.1); c.2515C>T, p.Leu839Phe (NM_001308632.1); short protein forms L813F, L839F.
Identifiers: ClinVar variation 969549 (VCV000969549.9), dbSNP rs2039215991, ClinGen allele CA406984709.